The following is an entry in ClinVar:

NM_000268.4(NF2):c.1340+1G>A

Gene: NF2 (NF2, moesin-ezrin-radixin like (MERLIN) tumor suppressor; plus strand). Cytogenetic location: 22q12.2.
Variant type: single nucleotide variant.
Coding change: c.1340+1G>A on transcript NM_000268.4 (MANE Select); the canonical splice donor site of the intron after coding-DNA position 1340, G replaced by A.
Molecular consequence: splice donor variant. On other transcripts: intron variant (1).
Genome position (GRCh38, 1-based): chr22:29,673,487, G>A. VCF-style: chr22-29673487-G-A. GRCh37 (hg19) VCF-style: chr22-30069476-G-A.
Other names: c.1340+1G>A (NM_016418.5, NM_181832.3, NM_001407060.1 and 2 more transcripts); c.1226+1G>A (NM_001407056.1, NM_001407053.1); c.1109+1G>A (NM_001407067.1); c.806+1G>A (NM_001407065.1); c.1205+1G>A (NM_001407059.1, NM_001407057.1); c.448-21265G>A (NM_181833.3); c.1217+1G>A (NM_001407058.1, NM_181829.3, NM_001407054.1); c.1082+1G>A (NM_001407062.1); and 2 more.
Identifiers: ClinVar variation 5018373 (VCV005018373.1).

ClinVar aggregate classification (germline): Pathogenic (1 of 4 stars; one submission).

Submission:

GeneDx
Classification: Pathogenic. Last evaluated: 2026-04-12. Review status: criteria provided, single submitter. Criteria: GeneDx Variant Classification Process June 2021. Collection method: clinical testing. Allele origin: germline.
Comment: Canonical splice site variant predicted to result in a null allele in a gene for which loss of function is a known mechanism of disease; Not observed at significant frequency in large population cohorts (gnomAD); This variant is associated with the following publications: (PMID: 16786152, 25525159, 19912265, 8379998, 39209702, 21294614, 7535084)